The following is an entry in ClinVar:

NM_005633.4(SOS1):c.253T>C (p.Trp85Arg)

Gene: SOS1 (SOS Ras/Rac guanine nucleotide exchange factor 1; minus strand). Cytogenetic location: 2p22.1.
Variant type: single nucleotide variant.
Coding change: c.253T>C on transcript NM_005633.4 (MANE Select); coding-DNA position 253, T replaced by C.
Protein change: p.Trp85Arg; replaces tryptophan 85 with arginine.
Molecular consequence: missense variant.
Genome position (GRCh38, 1-based): chr2:39,058,765, A>G on the plus strand (T>C on the coding strand, the complement: SOS1 is on the minus strand). VCF-style: chr2-39058765-A-G. GRCh37 (hg19) VCF-style: chr2-39285906-A-G.
Other names: c.232T>C, p.Trp78Arg (NM_001382394.1); c.253T>C, p.Trp85Arg (NM_001382395.1); short protein forms W85R, W78R.
Identifiers: ClinVar variation 40648 (VCV000040648.16), dbSNP rs730881054, ClinGen allele CA346373979.

ClinVar aggregate classification (germline): Conflicting classifications of pathogenicity. Review status: criteria provided, conflicting classifications (1 of 4 stars). 7 submissions from 7 submitters: Pathogenic (2); Likely pathogenic (3); Uncertain significance (1). 1 of the submissions does not count toward it. Last evaluated 2025-12-04.
ClinVar aggregate classification (somatic clinical impact): Tier II - Potential (1 of 4 stars; one submission).

Conditions:
Fibromatosis, gingival, 1 (GINGF1). Identifiers: Orphanet 2024, MedGen C4551558, MONDO:0007609, OMIM 135300.
Noonan syndrome 4 (NS4). Also called: NOONAN SYNDROME WITH PIGMENTED VILLONODULAR SYNOVITIS; SOS1-Related Noonan Syndrome. Identifiers: Orphanet 648, MedGen C1853120, MONDO:0012547, OMIM 610733.
RASopathy. Also called: rasopathies; Noonan spectrum disorder. Identifiers: Orphanet 536391, MedGen C5555857, MONDO:0021060.
Noonan syndrome (NS). Also called: Noonan's syndrome. Identifiers: Orphanet 648, MedGen C0028326, MeSH D009634, MONDO:0018997. Disease mechanism: gain of function.
Embryonal rhabdomyosarcoma (ERMS). Also called: Botryoid rhabdomyosarcoma (type of ERMS); Spindle cell rhabdomyosarcomas (type of ERMS). Identifiers: Orphanet 99757, MedGen C0206656, MONDO:0009993, HP:0006743.

Submissions (8):

3billion
Classification: Likely pathogenic for Noonan syndrome 4. Last evaluated: 2025-12-04. Review status: criteria provided, single submitter. Criteria: ACMG Guidelines, 2015. Collection method: clinical testing. Allele origin: germline. Affected: yes.
Comment: The variant is not observed in the gnomAD v4.1.0 dataset. Predicted Consequence/Location: Missense variant. Missense changes are a common disease-causing mechanism. In silico tool predictions suggest damaging effect of the variant on gene or gene product [REVEL: 0.79 (>=0.6, sensitivity 0.68 and specificity 0.92)]. The same nucleotide change resulting in the same amino acid change has been previously reported as pathogenic/likely pathogenic with strong evidence (ClinVar ID: VCV000040648 /PMID: 39484914). A different missense change at the same codon (p.Trp85Cys) has been reported to be associated with SOS1-related disorder (ClinVar ID: VCV002121273). Therefore, this variant is classified as Likely pathogenic according to the recommendation of ACMG/AMP guideline.

Women's Health and Genetics/Laboratory Corporation of America, LabCorp
Classification: Pathogenic for RASopathy. Last evaluated: 2025-09-05. Review status: criteria provided, single submitter. Criteria: LabCorp Variant Classification Summary - May 2015. Collection method: clinical testing. Allele origin: germline.
Comment: Variant summary: SOS1 c.253T>C (p.Trp85Arg) results in a non-conservative amino acid change in the encoded protein sequence. Algorithms developed to predict the effect of missense changes on protein structure and function all suggest that this variant is likely to be disruptive. The variant was absent in 250528 control chromosomes. c.253T>C has been observed in individual(s) affected with Noonan Syndrome (Barbero_2025, Westphal_2022, Carcavilla_2023, internal data). These data indicate that the variant is likely to be associated with disease. To our knowledge, no experimental evidence demonstrating an impact on protein function has been reported. The following publications have been ascertained in the context of this evaluation (PMID: 39484914, 37568403, 35200695). ClinVar contains an entry for this variant (Variation ID: 40648). Based on the evidence outlined above, the variant was classified as pathogenic.

Labcorp Genetics (formerly Invitae), Labcorp
Classification: Pathogenic for RASopathy. Last evaluated: 2025-08-29. Review status: criteria provided, single submitter. Criteria: Invitae Variant Classification Sherloc (09022015). Collection method: clinical testing. Allele origin: germline.
Comment: This sequence change replaces tryptophan, which is neutral and slightly polar, with arginine, which is basic and polar, at codon 85 of the SOS1 protein (p.Trp85Arg). This variant is not present in population databases (gnomAD no frequency). This missense change has been observed in individuals with Noonan syndrome (internal data). It has also been observed to segregate with disease in related individuals. ClinVar contains an entry for this variant (Variation ID: 40648). Invitae Evidence Modeling of protein sequence and biophysical properties (such as structural, functional, and spatial information, amino acid conservation, physicochemical variation, residue mobility, and thermodynamic stability) indicates that this missense variant is expected to disrupt SOS1 protein function with a positive predictive value of 95%. Experimental studies have shown that this missense change affects SOS1 function (PMID: 20133692). For these reasons, this variant has been classified as Pathogenic.

Dasa
Classification: Uncertain significance. Last evaluated: 2025-04-22. Review status: criteria provided, single submitter. Criteria: DASA Assertion Criteria. Collection method: clinical testing. Allele origin: germline.
Comment: NM_005633.4(SOS1):c.253T>C (p.Trp85Arg) is a missense variant that results in the substitution of tryptophan with arginine. This variant is absent from population databases. Computational prediction algorithms are consistent with a deleterious effect. The currently available literature and clinical evidence are not sufficient to establish a definitive association between this variant and the reported condition. Therefore, this variant is classified as a variant of uncertain significance.

Institute for Genomic Medicine (IGM) Clinical Laboratory, Nationwide Children's Hospital
Classification: Tier II - Potential for Embryonal rhabdomyosarcoma. Assertion type: diagnostic. Clinical significance: supports diagnosis. Last evaluated: 2024-07-22. Review status: criteria provided, single submitter. Criteria: AMP/ASCO/CAP Guidelines, 2017. Collection method: clinical testing. Allele origin: somatic. Affected: yes.
Comment: Variant has Tier II (potential) clinical significance as a diagnostic inclusion criterion in embryonal rhabdomyosarcoma, based on the following evidence: 1) Information in the literature supports potential biologic effect of variant (PMID: 20133692). 2) Diagnostic significance based on multiple small studies (Evidence Level C; PMIDs: 20461756, 20607846, 19953625).

Fulgent Genetics
Classification: Likely pathogenic for Fibromatosis, gingival, 1; Noonan syndrome 4. Last evaluated: 2024-05-16. Review status: criteria provided, single submitter. Criteria: ACMG Guidelines, 2015. Collection method: clinical testing. Allele origin: germline.

Clinical Genetics Service, Universitary Hospital 12 de Octubre
Classification: Likely pathogenic for Noonan syndrome 4. Review status: criteria provided, single submitter. Criteria: ACMG Guidelines, 2015. Collection method: clinical testing. Allele origin: germline. Affected: yes.

Service de Génétique Moléculaire, Hôpital Robert Debré
Classification: Uncertain significance for Noonan syndrome. Review status: no assertion criteria provided. Collection method: clinical testing. Allele origin: unknown. Affected: yes. Not counted in ClinVar's aggregate classification.

Literature cited by the submitters: PubMed 39484914 (cited by 3billion and Women's Health and Genetics/Laboratory Corporation of America, LabCorp); PubMed 37568403 (cited by Women's Health and Genetics/Laboratory Corporation of America, LabCorp); PubMed 35200695 (cited by Women's Health and Genetics/Laboratory Corporation of America, LabCorp); PubMed 20133692 (cited by Labcorp Genetics (formerly Invitae), Labcorp and Institute for Genomic Medicine (IGM) Clinical Laboratory, Nationwide Children's Hospital); PubMed 20461756 (cited by Institute for Genomic Medicine (IGM) Clinical Laboratory, Nationwide Children's Hospital); PubMed 20607846 (cited by Institute for Genomic Medicine (IGM) Clinical Laboratory, Nationwide Children's Hospital); PubMed 19953625 (cited by Institute for Genomic Medicine (IGM) Clinical Laboratory, Nationwide Children's Hospital).